The following is an entry in ClinVar:

ClinVar aggregate classification (germline): Likely benign (0 of 4 stars; one submission).

Conditions:
LAMA5-related disorder. Also called: LAMA5-Related Disorders; LAMA5-related condition.

Allele frequency attached by ClinVar (database versions not stated): gnomAD 0.00001; TOPMed 0.00001; ExAC 0.00002.
gnomAD v4.1: 11 of 1,502,116 alleles (0.00073%); highest among the groups gnomAD compares: Non-Finnish European, 0.00089%; no homozygotes.

Submission:

PreventionGenetics, part of Exact Sciences
Classification: Likely benign for LAMA5-related condition. Last evaluated: 2021-03-16. Review status: no assertion criteria provided. Collection method: clinical testing. Allele origin: germline.
Comment: This variant is classified as likely benign based on ACMG/AMP sequence variant interpretation guidelines (Richards et al. 2015 PMID: 25741868, with internal and published modifications).

NM_005560.6(LAMA5):c.5768+10C>T

Gene: LAMA5 (laminin subunit alpha 5; minus strand). Cytogenetic location: 20q13.33.
Variant type: single nucleotide variant.
Coding change: c.5768+10C>T on transcript NM_005560.6 (MANE Select); 10 bases into the intron after coding-DNA position 5768, C replaced by T.
Molecular consequence: intron variant.
Genome position (GRCh38, 1-based): chr20:62,324,070, G>A on the plus strand (C>T on the coding strand, the complement: LAMA5 is on the minus strand). VCF-style: chr20-62324070-G-A. GRCh37 (hg19) VCF-style: chr20-60899126-G-A.
Identifiers: ClinVar variation 3030584 (VCV003030584.2), dbSNP rs764229559, ClinGen allele CA9942068.
Genomic context (GRCh38, chr20:62,324,070, plus strand): 5'-ACCCACCCCGCTGCTGGGTGAAGGGAGCCTGGCACCATCAGGGCCTCGTCCCGGGAGGAG[G>A]CTGGCTTACTTGTTGGAAGGCACTGAGAGGGGGCAGGGGCAGCTGACACAGGGGGCGCTG-3'